The following is an entry in ClinVar:

NM_000625.4(NOS2):c.1476+51TG[10]

Gene: NOS2 (nitric oxide synthase 2; minus strand). Cytogenetic location: 17q11.2.
Variant type: Microsatellite.
Coding change: c.1476+51TG[10] on transcript NM_000625.4 (MANE Select); ten copies in a row of the 2-base unit TG starting at c.1476+51; the reference has nine copies in a row; one copy, 2 bases duplicated.
Molecular consequence: intron variant.
Genome position (GRCh38, 1-based): chr17:27,774,189-27,774,190, CA duplicated on the plus strand (TG on the coding strand, the reverse complement: NOS2 is on the minus strand); duplicating any 2 consecutive bases within chr17:27,774,189-27,774,206 gives the same sequence; the position shown is the placement nearest the transcript's 3' end. VCF-style (leftmost placement, unchanged base first): chr17-27774188-G-GCA. GRCh37 (hg19) VCF-style: chr17-26101214-G-GCA.
Identifiers: ClinVar variation 2688348 (VCV002688348.2), dbSNP rs66764731, ClinGen allele CA398303505.
Genomic context (GRCh38, chr17:27,774,188, plus strand): 5'-GGAAAGCTCTAACAACATACTCCTGCTTCCCGTCGTGCCCTACATGTGTAACAATGAGGT[G>GCA]CACACACACACACACACATACAGCCACATCTGAGCCCCCAGGAAGGAGAGAAGAGGAAGG-3'

ClinVar aggregate classification (germline): Benign (1 of 4 stars; one submission).

Submission:

Unidad de Genómica Garrahan, Hospital de Pediatría Garrahan
Classification: Benign. Last evaluated: 2024-01-24. Review status: criteria provided, single submitter. Criteria: ACMG Guidelines, 2015. Collection method: clinical testing. Allele origin: germline. Affected: no. Observed: 19 variant alleles.
Comment: This variant is classified as Benign based on local population frequency. This variant was detected in 20% of patients studied by a panel of primary immunodeficiencies. Number of patients: 19. Only high quality variants are reported.